The following is an entry in ClinVar:

ClinVar aggregate classification (germline): Uncertain significance. Review status: criteria provided, multiple submitters, no conflicts (2 of 4 stars). 2 submissions from 2 submitters: Uncertain significance (2). Last evaluated 2022-10-30.

Conditions:
SPECC1L-related disorder. Also called: SPECC1L-related condition.

gnomAD v4.1: 1 of 1,610,520 alleles (0.000062%); no homozygotes.

Submissions (2):

PreventionGenetics, part of Exact Sciences
Classification: Uncertain significance for SPECC1L-related condition. Last evaluated: 2022-10-30. Review status: criteria provided, single submitter. Criteria: ACMG Guidelines, 2015. Collection method: clinical testing. Allele origin: germline.
Comment: The SPECC1L c.1696A>G variant is predicted to result in the amino acid substitution p.Lys566Glu. To our knowledge, this variant has not been reported in the literature or in a large population database, indicating this variant is rare. At this time, the clinical significance of this variant is uncertain due to the absence of conclusive functional and genetic evidence.

Blueprint Genetics
Classification: Uncertain significance. Last evaluated: 2022-09-15. Review status: criteria provided, single submitter. Criteria: ACMG Guidelines, 2015. Collection method: clinical testing. Allele origin: germline.

NM_015330.6(SPECC1L):c.1696A>G (p.Lys566Glu)

Genes: SPECC1L (sperm antigen with calponin homology and coiled-coil domains 1 like; plus strand), SPECC1L-ADORA2A (SPECC1L-ADORA2A readthrough (NMD candidate); plus strand). Cytogenetic location: 22q11.23.
Variant type: single nucleotide variant.
Coding change: c.1696A>G on transcript NM_015330.6 (MANE Select); coding-DNA position 1696, A replaced by G.
Protein change: p.Lys566Glu; replaces lysine 566 with glutamic acid.
Molecular consequence: missense variant. On other transcripts: non-coding transcript variant (1).
Genome position (GRCh38, 1-based): chr22:24,322,676, A>G. VCF-style: chr22-24322676-A-G. GRCh37 (hg19) VCF-style: chr22-24718644-A-G.
Other names: c.1696A>G, p.Lys566Glu (NM_001145468.4, NM_001254732.3); short protein forms K566E.
Identifiers: ClinVar variation 2635461 (VCV002635461.2), dbSNP rs2517653749, ClinGen allele CA410971835.